The following is an entry in ClinVar:

NM_000263.4(NAGLU):c.1915G>C (p.Glu639Gln)

Gene: NAGLU (N-acetyl-alpha-glucosaminidase; plus strand). Cytogenetic location: 17q21.2.
Variant type: single nucleotide variant.
Coding change: c.1915G>C on transcript NM_000263.4 (MANE Select); coding-DNA position 1915, G replaced by C.
Protein change: p.Glu639Gln; replaces glutamic acid 639 with glutamine.
Molecular consequence: missense variant.
Genome position (GRCh38, 1-based): chr17:42,543,921, G>C. VCF-style: chr17-42543921-G-C. GRCh37 (hg19) VCF-style: chr17-40695939-G-C.
Other names: short protein forms E639Q.
Identifiers: ClinVar variation 2144576 (VCV002144576.1), dbSNP rs555145190, ClinGen allele CA290781130.
Genomic context (GRCh38, chr17:42,543,921, plus strand): 5'-GGCAGCTGGCTAGAGCAGGCCCGAGCAGCGGCAGTCAGTGAGGCCGAGGCCGATTTCTAC[G>C]AGCAGAACAGCCGCTACCAGCTGACCTTGTGGGGGCCAGAAGGCAACATCCTGGACTATG-3'
Protein context (NP_000254.2, residues 629-649): AVSEAEADFY[Glu639Gln]QNSRYQLTLW

ClinVar aggregate classification (germline): Uncertain significance (1 of 4 stars; one submission).

Conditions:
Charcot-Marie-Tooth disease axonal type 2V. Also called: CHARCOT-MARIE-TOOTH NEUROPATHY, TYPE 2V; CHARCOT-MARIE-TOOTH DISEASE, AXONAL, AUTOSOMAL DOMINANT, TYPE 2V. Identifiers: Orphanet 447964, MedGen C5569050, MONDO:0014665, OMIM 616491.
Mucopolysaccharidosis, MPS-III-B (MPS3B). Also called: N-ACETYL-ALPHA-D-GLUCOSAMINIDASE DEFICIENCY; NAGLU DEFICIENCY; SANFILIPPO SYNDROME B; MPS III B; MUCOPOLYSACCHARIDOSIS, TYPE IIIB; MPS IIIB (Sanfilippo Syndrome Type B). Identifiers: Orphanet 79270, MedGen C0086648, MONDO:0009656, OMIM 252920.

gnomAD v4.1: 7 of 1,606,840 alleles (0.00044%); highest among the groups gnomAD compares: African/African-American, 0.0013%; no homozygotes.

Submission:

Labcorp Genetics (formerly Invitae), Labcorp
Classification: Uncertain significance for Charcot-Marie-Tooth disease axonal type 2V; Mucopolysaccharidosis, MPS-III-B. Last evaluated: 2022-07-25. Review status: criteria provided, single submitter. Criteria: Invitae Variant Classification Sherloc (09022015). Collection method: clinical testing. Allele origin: germline.
Comment: This sequence change replaces glutamic acid, which is acidic and polar, with glutamine, which is neutral and polar, at codon 639 of the NAGLU protein (p.Glu639Gln). This variant is present in population databases (rs555145190, gnomAD 0.001%). This variant has not been reported in the literature in individuals affected with NAGLU-related conditions. Advanced modeling of protein sequence and biophysical properties (such as structural, functional, and spatial information, amino acid conservation, physicochemical variation, residue mobility, and thermodynamic stability) performed at Invitae indicates that this missense variant is expected to disrupt NAGLU protein function. In summary, the available evidence is currently insufficient to determine the role of this variant in disease. Therefore, it has been classified as a Variant of Uncertain Significance.